The following is an entry in ClinVar:

NM_000349.3(STAR):c.178+9T>C

Gene: STAR (steroidogenic acute regulatory protein; minus strand). Cytogenetic location: 8p11.23.
Variant type: single nucleotide variant.
Coding change: c.178+9T>C on transcript NM_000349.3 (MANE Select); 9 bases into the intron after coding-DNA position 178, T replaced by C.
Molecular consequence: intron variant.
Genome position (GRCh38, 1-based): chr8:38,148,632, A>G on the plus strand (T>C on the coding strand, the complement: STAR is on the minus strand). VCF-style: chr8-38148632-A-G. GRCh37 (hg19) VCF-style: chr8-38006150-A-G.
Identifiers: ClinVar variation 362848 (VCV000362848.15), dbSNP rs777624416, ClinGen allele CA4715329.
Genomic context (GRCh38, chr8:38,148,632, plus strand): 5'-ATGCACCACATCACCCTCCAGGGAACCTCCTGCCAGCAGCACCAGGAGCCCAGAAGCCTC[A>G]GCACTTACCGAGTAGAGAGCTCCGCCGCCGAACCTGGTTAATCCACGTGCTAGGGGTGGG-3'

ClinVar aggregate classification (germline): Conflicting classifications of pathogenicity. Review status: criteria provided, conflicting classifications (1 of 4 stars). 4 submissions from 4 submitters: Uncertain significance (1); Likely benign (2). 1 of the submissions does not count toward it. Last evaluated 2024-11-13.

Conditions:
Congenital lipoid adrenal hyperplasia due to STAR deficency. Also called: Cholesterol monooxygenase (side-chain cleaving) deficiency; Congenital Lipoid Adrenal Hyperplasia; Lipoid adrenal hyperplasia; ADRENAL HYPERPLASIA I. Identifiers: Orphanet 418, Orphanet 90790, MedGen C0342474, MONDO:0008725, OMIM 201710.
STAR-related disorder. Also called: STAR-related condition.

Allele frequency attached by ClinVar (database versions not stated): TOPMed 0.00003; ExAC 0.00004; gnomAD 0.00004; gnomAD exomes 0.00004 and 0.00007.
gnomAD v4.1: 106 of 1,613,426 alleles (0.0066%); highest among the groups gnomAD compares: Non-Finnish European, 0.0087%; no homozygotes.

Submissions (4):

Blueprint Genetics
Classification: Likely benign. Last evaluated: 2024-11-13. Review status: criteria provided, single submitter. Criteria: ACMG Guidelines, 2015. Collection method: clinical testing. Allele origin: germline.

Labcorp Genetics (formerly Invitae), Labcorp
Classification: Likely benign. Last evaluated: 2024-03-10. Review status: criteria provided, single submitter. Criteria: Invitae Variant Classification Sherloc (09022015). Collection method: clinical testing. Allele origin: germline.

Illumina Laboratory Services, Illumina
Classification: Uncertain significance for Congenital lipoid adrenal hyperplasia due to STAR deficency. Last evaluated: 2018-01-13. Review status: criteria provided, single submitter. Criteria: ICSL Variant Classification Criteria 13 December 2019. Collection method: clinical testing. Allele origin: germline.

PreventionGenetics, part of Exact Sciences
Classification: Likely benign for STAR-related condition. Last evaluated: 2021-02-24. Review status: no assertion criteria provided. Collection method: clinical testing. Allele origin: germline. Not counted in ClinVar's aggregate classification.
Comment: This variant is classified as likely benign based on ACMG/AMP sequence variant interpretation guidelines (Richards et al. 2015 PMID: 25741868, with internal and published modifications).